The following is an entry in ClinVar:

ClinVar aggregate classification (germline): Uncertain significance (1 of 4 stars; one submission).

gnomAD v4.1: 4 of 1,614,188 alleles (0.00025%); highest among the groups gnomAD compares: South Asian, 0.0033%; no homozygotes.

Submission:

GeneDx
Classification: Uncertain significance. Last evaluated: 2026-02-21. Review status: criteria provided, single submitter. Criteria: GeneDx Variant Classification Process June 2021. Collection method: clinical testing. Allele origin: germline.
Comment: In silico analysis suggests that this missense variant does not alter protein structure/function; Has not been previously published as pathogenic or benign to our knowledge

NM_001020658.2(PUM1):c.2956C>A (p.Gln986Lys)

Gene: PUM1 (pumilio RNA binding family member 1; minus strand). Cytogenetic location: 1p35.2.
Variant type: single nucleotide variant.
Coding change: c.2956C>A on transcript NM_001020658.2 (MANE Select); coding-DNA position 2956, C replaced by A.
Protein change: p.Gln986Lys; replaces glutamine 986 with lysine.
Molecular consequence: missense variant.
Genome position (GRCh38, 1-based): chr1:30,945,384, G>T on the plus strand (C>A on the coding strand, the complement: PUM1 is on the minus strand). VCF-style: chr1-30945384-G-T. GRCh37 (hg19) VCF-style: chr1-31418231-G-T.
Other names: c.2950C>A, p.Gln984Lys (NM_014676.3); short protein forms Q984K, Q986K.
Identifiers: ClinVar variation 5009784 (VCV005009784.1).